The following is an entry in ClinVar:

ClinVar aggregate classification (germline): Likely benign. Review status: criteria provided, multiple submitters, no conflicts (2 of 4 stars). 2 submissions from 2 submitters: Likely benign (2). Last evaluated 2024-08-14.

Submissions (2):

Blueprint Genetics
Classification: Likely benign. Last evaluated: 2024-08-14. Review status: criteria provided, single submitter. Criteria: ACMG Guidelines, 2015. Collection method: clinical testing. Allele origin: germline.

CeGaT Center for Human Genetics Tuebingen
Classification: Likely benign. Last evaluated: 2023-11-01. Review status: criteria provided, single submitter. Criteria: CeGaT Center For Human Genetics Tuebingen Variant Classification Criteria Version 2. Collection method: clinical testing. Allele origin: germline. Affected: yes. Observed: 1 variant allele.
Comment: PCK1: BP4, BP7

NM_002591.4(PCK1):c.525G>C (p.Arg175=)

Gene: PCK1 (phosphoenolpyruvate carboxykinase 1; plus strand). Cytogenetic location: 20q13.31.
Variant type: single nucleotide variant.
Coding change: c.525G>C on transcript NM_002591.4 (MANE Select); coding-DNA position 525, G replaced by C.
Protein change: p.Arg175=; no amino-acid change (arginine 175 retained).
Molecular consequence: synonymous variant.
Genome position (GRCh38, 1-based): chr20:57,562,814, G>C. VCF-style: chr20-57562814-G-C. GRCh37 (hg19) VCF-style: chr20-56137870-G-C.
Identifiers: ClinVar variation 2652431 (VCV002652431.25), dbSNP rs750079773, ClinGen allele CA511310889.